The following is an entry in ClinVar:

NM_017827.4(SARS2):c.1413+1G>C

Gene: SARS2 (seryl-tRNA synthetase 2, mitochondrial; minus strand). Cytogenetic location: 19q13.2.
Variant type: single nucleotide variant.
Coding change: c.1413+1G>C on transcript NM_017827.4 (MANE Select); the canonical splice donor site of the intron after coding-DNA position 1413, G replaced by C.
Molecular consequence: splice donor variant.
Genome position (GRCh38, 1-based): chr19:38,915,840, C>G on the plus strand (G>C on the coding strand, the complement: SARS2 is on the minus strand). VCF-style: chr19-38915840-C-G. GRCh37 (hg19) VCF-style: chr19-39406480-C-G.
Other names: c.1419+1G>C (NM_001145901.2).
Identifiers: ClinVar variation 432215 (VCV000432215.2), dbSNP rs200060827, ClinGen allele CA308180848.

ClinVar aggregate classification (germline): Likely pathogenic (1 of 4 stars; one submission).

Allele frequency attached by ClinVar (database versions not stated): gnomAD exomes below 0.00001; TOPMed 0.00002.
gnomAD v4.1: 6 of 1,613,622 alleles (0.00037%); highest among the groups gnomAD compares: African/African-American, 0.0027%; no homozygotes.

Submission:

GeneDx
Classification: Likely pathogenic. Last evaluated: 2016-08-22. Review status: criteria provided, single submitter. Criteria: GeneDx Variant Classification (06012015). Collection method: clinical testing. Allele origin: germline. Affected: yes.
Comment: The c.1413+1 G>C splice site variant in the SARS2 gene destroys the canonical splice donor site and is predicted to cause abnormal gene splicing. Although this variant has not been previously reported to our knowledge, it is likely to be a pathogenic variant.